The following is an entry in ClinVar:

ClinVar aggregate classification (germline): Uncertain significance (1 of 4 stars; one submission).

Allele frequency attached by ClinVar (database versions not stated): gnomAD exomes below 0.00001; TOPMed below 0.00001; ExAC 0.00001; gnomAD 0.00001.
gnomAD v4.1: 3 of 1,606,376 alleles (0.00019%); highest among the groups gnomAD compares: Admixed American, 0.0033%; no homozygotes.

Submission:

Labcorp Genetics (formerly Invitae), Labcorp
Classification: Uncertain significance. Last evaluated: 2025-04-16. Review status: criteria provided, single submitter. Criteria: Invitae Variant Classification Sherloc (09022015). Collection method: clinical testing. Allele origin: germline.
Comment: This sequence change replaces proline, which is neutral and non-polar, with histidine, which is basic and polar, at codon 2939 of the ADGRV1 protein (p.Pro2939His). This variant is present in population databases (rs754778257, gnomAD 0.003%). This variant has not been reported in the literature in individuals affected with ADGRV1-related conditions. ClinVar contains an entry for this variant (Variation ID: 1420600). Invitae Evidence Modeling of protein sequence and biophysical properties (such as structural, functional, and spatial information, amino acid conservation, physicochemical variation, residue mobility, and thermodynamic stability) has been performed for this missense variant. However, the output from this modeling did not meet the statistical confidence thresholds required to predict the impact of this variant on ADGRV1 protein function. In summary, the available evidence is currently insufficient to determine the role of this variant in disease. Therefore, it has been classified as a Variant of Uncertain Significance.

NM_032119.4(ADGRV1):c.8816C>A (p.Pro2939His)

Gene: ADGRV1 (adhesion G protein-coupled receptor V1; plus strand). Cytogenetic location: 5q14.3.
Variant type: single nucleotide variant.
Coding change: c.8816C>A on transcript NM_032119.4 (MANE Select); coding-DNA position 8816, C replaced by A.
Protein change: p.Pro2939His; replaces proline 2939 with histidine.
Molecular consequence: missense variant. On other transcripts: non-coding transcript variant (1).
Genome position (GRCh38, 1-based): chr5:90,708,901, C>A. VCF-style: chr5-90708901-C-A. GRCh37 (hg19) VCF-style: chr5-90004718-C-A.
Other names: short protein forms P2939H.
Identifiers: ClinVar variation 1420600 (VCV001420600.5), dbSNP rs754778257, ClinGen allele CA3340359.